The following is an entry in ClinVar:

NM_000057.4(BLM):c.2039T>C (p.Leu680Pro)

Gene: BLM (BLM RecQ like helicase; plus strand). Cytogenetic location: 15q26.1.
Variant type: single nucleotide variant.
Coding change: c.2039T>C on transcript NM_000057.4 (MANE Select); coding-DNA position 2039, T replaced by C.
Protein change: p.Leu680Pro; replaces leucine 680 with proline.
Molecular consequence: missense variant.
Genome position (GRCh38, 1-based): chr15:90,763,122, T>C. VCF-style: chr15-90763122-T-C. GRCh37 (hg19) VCF-style: chr15-91306352-T-C.
Other names: c.2039T>C, p.Leu680Pro (NM_001287246.2, NM_001287247.2); c.914T>C, p.Leu305Pro (NM_001287248.2); short protein forms L305P, L680P.
Identifiers: ClinVar variation 1784861 (VCV001784861.5), dbSNP rs2505435237, ClinGen allele CA393844417.

ClinVar aggregate classification (germline): Uncertain significance. Review status: criteria provided, multiple submitters, no conflicts (2 of 4 stars). 2 submissions from 2 submitters: Uncertain significance (2). Last evaluated 2022-07-26.

Conditions:
Hereditary cancer-predisposing syndrome. Also called: Neoplastic Syndromes, Hereditary; Tumor predisposition; Hereditary Cancer Syndrome; Hereditary neoplastic syndrome. Identifiers: Orphanet 140162, MedGen C0027672, MeSH D009386, MONDO:0015356.

Submissions (2):

GeneDx
Classification: Uncertain significance. Last evaluated: 2022-07-26. Review status: criteria provided, single submitter. Criteria: GeneDx Variant Classification Process June 2021. Collection method: clinical testing. Allele origin: germline. Affected: yes.
Comment: Not observed at significant frequency in large population cohorts (gnomAD); In silico analysis supports that this missense variant has a deleterious effect on protein structure/function; Has not been previously published as pathogenic or benign to our knowledge

Ambry Genetics
Classification: Uncertain significance for Hereditary cancer-predisposing syndrome. Last evaluated: 2021-10-25. Review status: criteria provided, single submitter. Criteria: Ambry Variant Classification Scheme 2023. Collection method: clinical testing. Allele origin: germline.
Comment: The p.L680P variant (also known as c.2039T>C), located in coding exon 7 of the BLM gene, results from a T to C substitution at nucleotide position 2039. The leucine at codon 680 is replaced by proline, an amino acid with similar properties. This amino acid position is conserved. In addition, this alteration is predicted to be deleterious by in silico analysis. Since supporting evidence is limited at this time, the clinical significance of this alteration remains unclear.